The following is an entry in ClinVar:

NM_181486.4(TBX5):c.827G>A (p.Ser276Asn)

Gene: TBX5 (T-box transcription factor 5; minus strand). Cytogenetic location: 12q24.21.
Variant type: single nucleotide variant.
Coding change: c.827G>A on transcript NM_181486.4 (MANE Select); coding-DNA position 827, G replaced by A.
Protein change: p.Ser276Asn; replaces serine 276 with asparagine.
Molecular consequence: missense variant.
Genome position (GRCh38, 1-based): chr12:114,366,320, C>T on the plus strand (G>A on the coding strand, the complement: TBX5 is on the minus strand). VCF-style: chr12-114366320-C-T. GRCh37 (hg19) VCF-style: chr12-114804125-C-T.
Other names: c.827G>A, p.Ser276Asn (NM_000192.3); c.677G>A, p.Ser226Asn (NM_080717.4); short protein forms S276N, S226N.
Identifiers: ClinVar variation 495730 (VCV000495730.46), dbSNP rs147977741, ClinGen allele CA6809492.

ClinVar aggregate classification (germline): Benign/Likely benign. Review status: criteria provided, multiple submitters, no conflicts (2 of 4 stars). 10 submissions from 10 submitters: Benign (3); Likely benign (3). 4 of the submissions do not count toward it. Last evaluated 2026-01-26.

Conditions:
TBX5-related disorder. Also called: TBX5-related condition.
Aortic valve disease 2 (AOVD2). Identifiers: MedGen C3542024, MONDO:0013902, OMIM 614823.
Cardiovascular phenotype. Identifiers: MedGen CN230736.

Allele frequency attached by ClinVar (database versions not stated): gnomAD 0.00049 and 0.00050; gnomAD exomes 0.00049; TOPMed 0.00056; ExAC 0.00041; ESP Exome Variant Server 0.00046.
gnomAD v4.1: 1,266 of 1,614,050 alleles (0.078%); highest among the groups gnomAD compares: Non-Finnish European, 0.096%; 1 homozygote.

Submissions (10):

Labcorp Genetics (formerly Invitae), Labcorp
Classification: Likely benign for Aortic valve disease 2. Last evaluated: 2026-01-26. Review status: criteria provided, single submitter. Criteria: Invitae Variant Classification Sherloc (09022015). Collection method: clinical testing. Allele origin: germline.

Blueprint Genetics
Classification: Likely benign. Last evaluated: 2024-10-09. Review status: criteria provided, single submitter. Criteria: ACMG Guidelines, 2015. Collection method: clinical testing. Allele origin: germline.

CeGaT Center for Human Genetics Tuebingen
Classification: Benign. Last evaluated: 2022-09-01. Review status: criteria provided, single submitter. Criteria: CeGaT Center For Human Genetics Tuebingen Variant Classification Criteria Version 2. Collection method: clinical testing. Allele origin: germline. Affected: yes. Observed: 1 variant allele.
Comment: TBX5: BS1, BS2

GeneDx
Classification: Benign. Last evaluated: 2021-03-24. Review status: criteria provided, single submitter. Criteria: GeneDx Variant Classification Process June 2021. Collection method: clinical testing. Allele origin: germline. Affected: yes.
Comment: Observed in 0.0506% (143/282778 alleles) in large population cohorts (Lek et al., 2016)

Ambry Genetics
Classification: Likely benign for Cardiovascular phenotype. Last evaluated: 2017-12-19. Review status: criteria provided, single submitter. Criteria: Ambry Variant Classification Scheme 2023. Collection method: clinical testing. Allele origin: germline.

Women's Health and Genetics/Laboratory Corporation of America, LabCorp
Classification: Benign. Last evaluated: 2016-03-22. Review status: criteria provided, single submitter. Criteria: LabCorp Variant Classification Summary - May 2015. Collection method: clinical testing. Allele origin: germline.
Comment: Variant summary: The TBX5 c.827G>A variant affects a conserved nucleotide, resulting in an amino acid change from Ser to Asn. 3/3 in-silico tools predict a benign outcome for this variant (SNPs&GO and Mutation Taster were not captured due to low reliability index/p-value). This variant was found in 50/121398 control chromosomes at a frequency of 0.0004119, which is about 329 times the maximal expected frequency of a pathogenic TBX5 allele (0.0000013), highly suggesting this variant is benign. The variant of interest has not, to our knowledge, been reported in affected individuals via peer reviewed publications nor evaluated for functional impact by in vivo/vitro studies. Taken together, this variant was classified as benign.

PreventionGenetics, part of Exact Sciences
Classification: Likely benign for TBX5-related condition. Last evaluated: 2023-09-06. Review status: no assertion criteria provided. Collection method: clinical testing. Allele origin: germline. Not counted in ClinVar's aggregate classification.
Comment: This variant is classified as likely benign based on ACMG/AMP sequence variant interpretation guidelines (Richards et al. 2015 PMID: 25741868, with internal and published modifications).

Genome Diagnostics Laboratory, University Medical Center Utrecht
Classification: Likely benign. Review status: no assertion criteria provided. Collection method: clinical testing. Allele origin: germline. Affected: yes. Study: VKGL Data-share Consensus. Not counted in ClinVar's aggregate classification.

Joint Genome Diagnostic Labs from Nijmegen and Maastricht, Radboudumc and MUMC+
Classification: Likely benign. Review status: no assertion criteria provided. Collection method: clinical testing. Allele origin: germline. Affected: yes. Study: VKGL Data-share Consensus. Not counted in ClinVar's aggregate classification.

Laboratory of Diagnostic Genome Analysis, Leiden University Medical Center (LUMC)
Classification: Likely benign. Review status: no assertion criteria provided. Collection method: clinical testing. Allele origin: germline. Affected: yes. Study: VKGL Data-share Consensus. Not counted in ClinVar's aggregate classification.